The following is an entry in ClinVar:

Single allele

Genes: MIR548F1 (microRNA 548f-1; minus strand), PCDH15 (protocadherin related 15; minus strand), LOC105378311 (uncharacterized LOC105378311; plus strand). Cytogenetic location: 10q21.1.
Variant type: Deletion.
Identifiers: ClinVar variation 4056479 (VCV004056479.1).

ClinVar aggregate classification (germline): Pathogenic (1 of 4 stars; one submission).

Conditions:
Usher syndrome type 1F (USH1F). Also called: USHER SYNDROME, TYPE IF. Identifiers: Orphanet 231169, Orphanet 886, MedGen C1865885, MONDO:0011186, OMIM 602083.

Submission:

Broad Center for Mendelian Genomics, Broad Institute of MIT and Harvard
Classification: Pathogenic for Usher syndrome type 1F. Last evaluated: 2025-06-06. Review status: criteria provided, single submitter. Criteria: ACMG/ClinGen CNV Guidelines, 2019. Collection method: curation. Allele origin: unknown. Inheritance: Autosomal recessive inheritance.
Comment: The deletion of exons 1-2 in PCDH15 was identified in 3 individuals with Type 1 Usher Syndrome (PMID: 27460420, 24625443), and has been identified in 0.003% (2/59088) of European (non-Finnish) chromosomes by the Genome Aggregation Database (gnomAD). Although this variant has been seen in the general population in a heterozygous state, its frequency is low enough to be consistent with a recessive carrier frequency. Of the 3 affected individuals, 2 were homozygotes and 1 was a compound heterozygote that carried a reported likely pathogenic variant in trans, which increases the likelihood that the deletion is pathogenic (VCV000556543.3; PMID: 27460420, 24625443). This intragenic variant deletes the first coding exon and 5’UTR and is predicted to cause loss of the methionine initiation codon. This alteration is then predicted to lead to a truncated or absent protein. Loss of function of PCDH15 is an established disease mechanism in Usher Syndrome. In summary, this variant meets criteria to be classified as pathogenic for autosomal recessive Type 1 Usher Syndrome. The ACMG/ClinGen evidence codes and points used in this curation are as follows: 1A: 0 points, 2C-1: 0.9 points, 3A: 0 points, 4E: 0.60 points, 5G: 0 points; Total: 1.5 points; Riggs 2020 (PMID: 31690835).

Literature cited by the submitters: PubMed 27460420; PubMed 24625443.